The following is an entry in ClinVar:

NM_001384317.1(ZHX3):c.2482G>A (p.Glu828Lys)

Gene: ZHX3 (zinc fingers and homeoboxes 3; minus strand). Cytogenetic location: 20q12.
Variant type: single nucleotide variant.
Coding change: c.2482G>A on transcript NM_001384317.1 (MANE Select); coding-DNA position 2482, G replaced by A.
Protein change: p.Glu828Lys; replaces glutamic acid 828 with lysine.
Molecular consequence: missense variant.
Genome position (GRCh38, 1-based): chr20:41,202,435, C>T on the plus strand (G>A on the coding strand, the complement: ZHX3 is on the minus strand). VCF-style: chr20-41202435-C-T. GRCh37 (hg19) VCF-style: chr20-39831075-C-T.
Other names: c.2482G>A, p.Glu828Lys (NM_001384315.1, NM_001384316.1, NM_001384318.1 and 8 more transcripts); c.2482G>A (NM_015035.3); short protein forms E828K.
Identifiers: ClinVar variation 2890999 (VCV002890999.4), dbSNP rs1437135789, ClinGen allele CA409034153.

ClinVar aggregate classification (germline): Uncertain significance. Review status: criteria provided, multiple submitters, no conflicts (2 of 4 stars). 2 submissions from 2 submitters: Uncertain significance (2). Last evaluated 2025-06-08.

Allele frequency attached by ClinVar (database versions not stated): gnomAD exomes 0.00001.
gnomAD v4.1: 20 of 1,614,176 alleles (0.0012%); highest among the groups gnomAD compares: South Asian, 0.0066%; no homozygotes.

Submissions (2):

Ambry Genetics
Classification: Uncertain significance. Last evaluated: 2025-06-08. Review status: criteria provided, single submitter. Criteria: Ambry Variant Classification Scheme 2023. Collection method: clinical testing. Allele origin: germline.

Labcorp Genetics (formerly Invitae), Labcorp
Classification: Uncertain significance. Last evaluated: 2023-04-19. Review status: criteria provided, single submitter. Criteria: Invitae Variant Classification Sherloc (09022015). Collection method: clinical testing. Allele origin: germline.
Comment: This variant is present in population databases (no rsID available, gnomAD 0.003%). In summary, the available evidence is currently insufficient to determine the role of this variant in disease. Therefore, it has been classified as a Variant of Uncertain Significance. An algorithm developed to predict the effect of missense changes on protein structure and function (PolyPhen-2) suggests that this variant is likely to be disruptive. This variant has not been reported in the literature in individuals affected with ZHX3-related conditions. This sequence change replaces glutamic acid, which is acidic and polar, with lysine, which is basic and polar, at codon 828 of the ZHX3 protein (p.Glu828Lys).